The following is an entry in ClinVar:

ClinVar aggregate classification (germline): Benign/Likely benign. Review status: criteria provided, multiple submitters, no conflicts (2 of 4 stars). 5 submissions from 5 submitters: Benign (3); Likely benign (2). Last evaluated 2026-02-18.

Conditions:
RYR1-related disorder. Also called: RYR1-related disorders; RYR1-related condition. Identifiers: MedGen CN239331.
Malignant hyperthermia, susceptibility to, 1 (MHS1). Also called: RYR1-Related Malignant Hyperthermia Susceptibility; Anesthesia related hyperthermia; Malignant hyperpyrexia; Fulminating hyperpyrexia; Pharmacogenic myopathy; Malignant hyperthermia suceptibility 1. Identifiers: Orphanet 423, MedGen C2930980, MONDO:0007783, OMIM 145600.

Allele frequency attached by ClinVar (database versions not stated): gnomAD exomes 0.00007 and 0.00054; gnomAD 0.00013 and 0.00015; TOPMed 0.00021; 1000 Genomes Project 30x 0.00031; 1000 Genomes Project 0.00040; ExAC 0.00050.
gnomAD v4.1: 130 of 1,613,968 alleles (0.0081%); highest among the groups gnomAD compares: East Asian, 0.23%; 1 homozygote.

Submissions (5):

Women's Health and Genetics/Laboratory Corporation of America, LabCorp
Classification: Benign. Last evaluated: 2026-02-18. Review status: criteria provided, single submitter. Criteria: LabCorp Variant Classification Summary - May 2015. Collection method: clinical testing. Allele origin: germline.
Comment: Variant summary: RYR1 c.10441-10G>A alters a nucleotide located at a position not widely known to affect splicing. Several computational tools predict a significant impact on normal splicing: four predict the variant creates a 3' acceptor site. However, these predictions have yet to be confirmed by functional studies. The variant allele was found at a frequency of 0.00054 in 251140 control chromosomes, predominantly at a frequency of 0.007 within the East Asian subpopulation in the gnomAD database, including 2 homozygotes. The observed variant frequency within East Asian control individuals in the gnomAD database exceeds the estimated maximal expected allele frequency for disease-causing variants in RYR1. To our knowledge, no occurrence of c.10441-10G>A in individuals affected with RYR1-related conditions and no experimental evidence demonstrating its impact on protein function have been reported. ClinVar contains an entry for this variant (Variation ID: 696257). Based on the evidence outlined above, the variant was classified as benign.

Labcorp Genetics (formerly Invitae), Labcorp
Classification: Benign for RYR1-related disorder. Last evaluated: 2026-01-09. Review status: criteria provided, single submitter. Criteria: Invitae Variant Classification Sherloc (09022015). Collection method: clinical testing. Allele origin: germline.

Blueprint Genetics
Classification: Likely benign. Last evaluated: 2024-10-08. Review status: criteria provided, single submitter. Criteria: ACMG Guidelines, 2015. Collection method: clinical testing. Allele origin: germline.

Color Diagnostics, LLC DBA Color Health
Classification: Benign for Malignant hyperthermia, susceptibility to, 1. Last evaluated: 2022-11-06. Review status: criteria provided, single submitter. Criteria: ACMG Guidelines, 2015. Collection method: clinical testing. Allele origin: germline.

GeneDx
Classification: Likely benign. Last evaluated: 2018-07-16. Review status: criteria provided, single submitter. Criteria: GeneDx Variant Classification Process June 2021. Collection method: clinical testing. Allele origin: germline. Affected: yes.

NM_000540.3(RYR1):c.10441-10G>A

Gene: RYR1 (ryanodine receptor 1; plus strand). Cytogenetic location: 19q13.2.
Variant type: single nucleotide variant.
Coding change: c.10441-10G>A on transcript NM_000540.3 (MANE Select); 10 bases into the intron before coding-DNA position 10441, G replaced by A.
Molecular consequence: intron variant.
Genome position (GRCh38, 1-based): chr19:38,523,905, G>A. VCF-style: chr19-38523905-G-A. GRCh37 (hg19) VCF-style: chr19-39014545-G-A.
Other names: c.10440+596G>A (NM_001042723.2).
Identifiers: ClinVar variation 696257 (VCV000696257.17), dbSNP rs200939091, ClinGen allele CA053523.